The following is an entry in ClinVar:

ClinVar aggregate classification (germline): Likely pathogenic (1 of 4 stars; one submission).

Submission:

Labcorp Genetics (formerly Invitae), Labcorp
Classification: Likely pathogenic. Last evaluated: 2022-06-22. Review status: criteria provided, single submitter. Criteria: Invitae Variant Classification Sherloc (09022015). Collection method: clinical testing. Allele origin: germline.
Comment: In summary, the currently available evidence indicates that the variant is pathogenic, but additional data are needed to prove that conclusively. Therefore, this variant has been classified as Likely Pathogenic. Algorithms developed to predict the effect of sequence changes on RNA splicing suggest that this variant may disrupt the consensus splice site. Disruption of this splice site has been observed in individual(s) with retinitis pigmentosa (PMID: 21069908). This variant is not present in population databases (gnomAD no frequency). This sequence change affects a donor splice site in intron 31 of the EYS gene. It is expected to disrupt RNA splicing. Variants that disrupt the donor or acceptor splice site typically lead to a loss of protein function (PMID: 16199547), and loss-of-function variants in EYS are known to be pathogenic (PMID: 18836446, 20333770).

Literature cited by the submitters: PubMed 21069908; PubMed 16199547; PubMed 18836446; PubMed 20333770.

NM_001142800.2(EYS):c.6424+1G>A

Gene: EYS (EGF-like photoreceptor maintenance factor; minus strand). Cytogenetic location: 6q12.
Variant type: single nucleotide variant.
Coding change: c.6424+1G>A on transcript NM_001142800.2 (MANE Select); the canonical splice donor site of the intron after coding-DNA position 6424, G replaced by A.
Molecular consequence: splice donor variant.
Genome position (GRCh38, 1-based): chr6:64,230,591, C>T on the plus strand (G>A on the coding strand, the complement: EYS is on the minus strand). VCF-style: chr6-64230591-C-T. GRCh37 (hg19) VCF-style: chr6-64940484-C-T.
Other names: c.6424+1G>A (NM_001292009.2).
Identifiers: ClinVar variation 2007564 (VCV002007564.4), dbSNP rs955762079, ClinGen allele CA364391130.